The following is an entry in ClinVar:

NM_004484.4(GPC3):c.1285G>C (p.Val429Leu)

Gene: GPC3 (glypican 3; minus strand). Cytogenetic location: Xq26.2.
Variant type: single nucleotide variant.
Coding change: c.1285G>C on transcript NM_004484.4 (MANE Select); coding-DNA position 1285, G replaced by C.
Protein change: p.Val429Leu; replaces valine 429 with leucine.
Molecular consequence: missense variant.
Genome position (GRCh38, 1-based): chrX:133,692,376, C>G on the plus strand (G>C on the coding strand, the complement: GPC3 is on the minus strand). VCF-style: chrX-133692376-C-G. GRCh37 (hg19) VCF-style: chrX-132826404-C-G.
Other names: c.1354G>C, p.Val452Leu (NM_001164617.2); c.1237G>C, p.Val413Leu (NM_001164618.2); c.1123G>C, p.Val375Leu (NM_001164619.2); short protein forms V413L, V429L, V375L, V452L.
Identifiers: ClinVar variation 849665 (VCV000849665.10), dbSNP rs11539789, ClinGen allele CA414705288.

ClinVar aggregate classification (germline): Uncertain significance (1 of 4 stars; one submission).

Conditions:
Wilms tumor 1 (WT1). Also called: Wilms tumor, somatic. Identifiers: Orphanet 654, MedGen CN033288, MONDO:0008679, OMIM 194070.

gnomAD v4.1: 2 of 1,211,318 alleles (0.00017%); no homozygotes.

Submission:

Labcorp Genetics (formerly Invitae), Labcorp
Classification: Uncertain significance for Wilms tumor 1. Last evaluated: 2023-08-24. Review status: criteria provided, single submitter. Criteria: Invitae Variant Classification Sherloc (09022015). Collection method: clinical testing. Allele origin: germline.
Comment: In summary, the available evidence is currently insufficient to determine the role of this variant in disease. Therefore, it has been classified as a Variant of Uncertain Significance. Advanced modeling of protein sequence and biophysical properties (such as structural, functional, and spatial information, amino acid conservation, physicochemical variation, residue mobility, and thermodynamic stability) performed at Invitae indicates that this missense variant is expected to disrupt GPC3 protein function. ClinVar contains an entry for this variant (Variation ID: 849665). This variant has not been reported in the literature in individuals affected with GPC3-related conditions. This variant is not present in population databases (gnomAD no frequency). This sequence change replaces valine, which is neutral and non-polar, with leucine, which is neutral and non-polar, at codon 429 of the GPC3 protein (p.Val429Leu).